The following is an entry in ClinVar:

NM_000038.6(APC):c.7229C>G (p.Ala2410Gly)

Gene: APC (APC regulator of Wnt signaling pathway; plus strand). Cytogenetic location: 5q22.2.
Variant type: single nucleotide variant.
Coding change: c.7229C>G on transcript NM_000038.6 (MANE Select); coding-DNA position 7229, C replaced by G.
Protein change: p.Ala2410Gly; replaces alanine 2410 with glycine.
Molecular consequence: missense variant.
Genome position (GRCh38, 1-based): chr5:112,842,823, C>G. VCF-style: chr5-112842823-C-G. GRCh37 (hg19) VCF-style: chr5-112178520-C-G.
Other names: c.7229C>G, p.Ala2410Gly (NM_001127510.3, NM_001354895.2); c.7175C>G, p.Ala2392Gly (NM_001127511.3); c.7283C>G, p.Ala2428Gly (NM_001354896.2); c.7259C>G, p.Ala2420Gly (NM_001354897.2); c.7154C>G, p.Ala2385Gly (NM_001354898.2); c.7145C>G, p.Ala2382Gly (NM_001354899.2); c.7106C>G, p.Ala2369Gly (NM_001354900.2); c.7052C>G, p.Ala2351Gly (NM_001354901.2); and 5 more; short protein forms A2127G, A2319G, A2385G, A2250G, A2309G, A2382G, A2410G, A2284G.
Identifiers: ClinVar variation 924983 (VCV000924983.7), dbSNP rs1766420718, ClinGen allele CA16037077.

ClinVar aggregate classification (germline): Uncertain significance. Review status: criteria provided, multiple submitters, no conflicts (2 of 4 stars). 3 submissions from 3 submitters: Uncertain significance (3). Last evaluated 2023-12-04.

Conditions:
Hereditary cancer-predisposing syndrome. Also called: Neoplastic Syndromes, Hereditary; Tumor predisposition; Hereditary Cancer Syndrome; Hereditary neoplastic syndrome. Identifiers: Orphanet 140162, MedGen C0027672, MeSH D009386, MONDO:0015356.
Familial adenomatous polyposis 1 (FAP1). Also called: FAMILIAL ADENOMATOUS POLYPOSIS 1, ATTENUATED; POLYPOSIS, ADENOMATOUS INTESTINAL. Identifiers: MedGen C2713442, MONDO:0021056, OMIM 175100. Disease mechanism: loss of function.
Classic or attenuated familial adenomatous polyposis. Identifiers: MedGen CN372698, MONDO:0021057.

Submissions (3):

Color Diagnostics, LLC DBA Color Health
Classification: Uncertain significance for Hereditary cancer-predisposing syndrome. Last evaluated: 2023-12-04. Review status: criteria provided, single submitter. Criteria: ACMG Guidelines, 2015. Collection method: clinical testing. Allele origin: germline.
Comment: This missense variant replaces alanine with glycine at codon 2410 of the APC protein. Computational prediction suggests that this variant may not impact protein structure and function (internally defined REVEL score threshold <= 0.5, PMID: 27666373). To our knowledge, functional studies have not been reported for this variant. This variant has not been reported in individuals affected with APC-related disorders in the literature. This variant has not been identified in the general population by the Genome Aggregation Database (gnomAD). The available evidence is insufficient to determine the role of this variant in disease conclusively. Therefore, this variant is classified as a Variant of Uncertain Significance.

Labcorp Genetics (formerly Invitae), Labcorp
Classification: Uncertain significance for Familial adenomatous polyposis 1. Last evaluated: 2023-09-11. Review status: criteria provided, single submitter. Criteria: Invitae Variant Classification Sherloc (09022015). Collection method: clinical testing. Allele origin: germline.
Comment: In summary, the available evidence is currently insufficient to determine the role of this variant in disease. Therefore, it has been classified as a Variant of Uncertain Significance. Advanced modeling of protein sequence and biophysical properties (such as structural, functional, and spatial information, amino acid conservation, physicochemical variation, residue mobility, and thermodynamic stability) performed at Invitae indicates that this missense variant is not expected to disrupt APC protein function. ClinVar contains an entry for this variant (Variation ID: 924983). This variant has not been reported in the literature in individuals affected with APC-related conditions. This variant is not present in population databases (gnomAD no frequency). This sequence change replaces alanine, which is neutral and non-polar, with glycine, which is neutral and non-polar, at codon 2410 of the APC protein (p.Ala2410Gly).

All of Us Research Program, National Institutes of Health
Classification: Uncertain significance for Classic or attenuated familial adenomatous polyposis. Last evaluated: 2023-04-15. Review status: criteria provided, single submitter. Criteria: ACMG Guidelines, 2015. Collection method: clinical testing. Allele origin: germline. Inheritance: Autosomal dominant inheritance. Observed: 1 variant allele, 1 heterozygote.
Comment: This study involves interpretation of variants in research participants for the purpose of population health screening. Participant phenotype was not available at the time of variant classification. Additional details can be found in publication PMID: 35346344, PMCID: PMC8962531